The following is an entry in ClinVar:

ClinVar aggregate classification (germline): Likely pathogenic (1 of 4 stars; one submission).

Conditions:
Cardiovascular phenotype. Identifiers: MedGen CN230736.

Submission:

Ambry Genetics
Classification: Likely pathogenic for Cardiovascular phenotype. Last evaluated: 2019-06-28. Review status: criteria provided, single submitter. Criteria: Ambry Variant Classification Scheme 2023. Collection method: clinical testing. Allele origin: germline.
Comment: The c.46274dupA variant, located in coding exon 153 of the TTN gene, results from a duplication of A at nucleotide position 46274, causing a translational frameshift with a predicted alternate stop codon (p.N15425Kfs*4). This exon is located in the A-band region of the N2-B isoform of the titin protein and is constitutively expressed in TTN transcripts (percent spliced in or PSI 100%). This alteration is expected to result in loss of function by premature protein truncation or nonsense-mediated mRNA decay. While truncating variants in TTN are present in 1-3% of the general population, truncating variants in the A-band are the most common cause of dilated cardiomyopathy (DCM) (Herman DS et al. N. Engl. J. Med., 2012 Feb;366:619-28; Roberts AM et al. Sci Transl Med, 2015 Jan;7:270ra6). TTN truncating variants encoded in constitutive exons (PSI >90%) have been found to be significantly associated with DCM regardless of their position in titin (Schafer S et al. Nat. Genet., 2017 01;49:46-53). As such, this alteration is classified as likely pathogenic.

NM_001267550.2(TTN):c.73469dup (p.Asn24490fs)

Genes: TTN (titin; minus strand), TTN-AS1 (TTN antisense RNA 1; plus strand). Cytogenetic location: 2q31.2.
Variant type: Duplication.
Coding change: c.73469dup on transcript NM_001267550.2 (MANE Select); coding-DNA position 73469, one base duplicated (A; older notation c.73469dupA).
Protein change: p.Asn24490fs; shifts the reading frame from asparagine 24490.
Molecular consequence: frameshift variant.
Genome position (GRCh38, 1-based): chr2:178,572,663, T duplicated on the plus strand (A on the coding strand, the reverse complement: TTN is on the minus strand); the first of 3 consecutive T bases (chr2:178,572,663-178,572,665); duplicating any one gives the same sequence. VCF-style (leftmost placement, unchanged base first): chr2-178572662-G-GT. GRCh37 (hg19) VCF-style: chr2-179437389-G-GT.
Other names: c.68546dup, p.Asn22849fs (NM_001256850.1); c.46274dup, p.Asn15425fs (NM_003319.4); c.65765dup, p.Asn21922fs (NM_133378.4); c.46649dup, p.Asn15550fs (NM_133432.3); c.46850dup, p.Asn15617fs (NM_133437.4); c.46274dupA (NM_003319.4); short protein forms N15617fs, N24490fs, N15425fs, N15550fs, N21922fs, N22849fs.
Identifiers: ClinVar variation 1741984 (VCV001741984.2), dbSNP rs2468547967, ClinGen allele CA2580064795.